The following is an entry in ClinVar:

ClinVar aggregate classification (germline): Uncertain significance (1 of 4 stars; one submission).

Conditions:
Hereditary cancer-predisposing syndrome. Also called: Neoplastic Syndromes, Hereditary; Hereditary Cancer Syndrome; Tumor predisposition; Hereditary neoplastic syndrome. Identifiers: Orphanet 140162, MedGen C0027672, MeSH D009386, MONDO:0015356.

Submission:

Ambry Genetics
Classification: Uncertain significance for Hereditary cancer-predisposing syndrome. Last evaluated: 2023-03-11. Review status: criteria provided, single submitter. Criteria: Ambry Variant Classification Scheme 2023. Collection method: clinical testing. Allele origin: germline.
Comment: The p.H870D variant (also known as c.2608C>G), located in coding exon 18 of the TSC1 gene, results from a C to G substitution at nucleotide position 2608. The histidine at codon 870 is replaced by aspartic acid, an amino acid with similar properties. This amino acid position is conserved. In addition, the in silico prediction for this alteration is inconclusive. Since supporting evidence is limited at this time, the clinical significance of this alteration remains unclear.

NM_000368.5(TSC1):c.2608C>G (p.His870Asp)

Gene: TSC1 (TSC complex subunit 1; minus strand). Cytogenetic location: 9q34.13.
Variant type: single nucleotide variant.
Coding change: c.2608C>G on transcript NM_000368.5 (MANE Select); coding-DNA position 2608, C replaced by G.
Protein change: p.His870Asp; replaces histidine 870 with aspartic acid.
Molecular consequence: missense variant. On other transcripts: non-coding transcript variant (5).
Genome position (GRCh38, 1-based): chr9:132,900,732, G>C on the plus strand (C>G on the coding strand, the complement: TSC1 is on the minus strand). VCF-style: chr9-132900732-G-C. GRCh37 (hg19) VCF-style: chr9-135776119-G-C.
Other names: c.2605C>G, p.His869Asp (NM_001162426.2, NM_001406597.1, NM_001406598.1 and 2 more transcripts); c.2455C>G, p.His819Asp (NM_001162427.2, NM_001406610.1); c.2245C>G, p.His749Asp (NM_001362177.2, NM_001406614.1, NM_001406615.1 and 4 more transcripts); c.2608C>G, p.His870Asp (NM_001406592.1, NM_001406593.1, NM_001406594.1 and 2 more transcripts); c.2593C>G, p.His865Asp (NM_001406601.1, NM_001406602.1); c.2590C>G, p.His864Asp (NM_001406603.1, NM_001406604.1); c.2566C>G, p.His856Asp (NM_001406605.1, NM_001406606.1, NM_001406607.1); c.2563C>G, p.His855Asp (NM_001406608.1, NM_001406609.1); and 8 more; short protein forms H519D, H804D, H819D, H870D, H552D, H734D, H748D, H749D.
Identifiers: ClinVar variation 2447898 (VCV002447898.2), dbSNP rs2538547952, ClinGen allele CA375369886.